The following is an entry in ClinVar:

NM_001375567.1(FOCAD):c.5112G>C (p.Gln1704His)

Gene: FOCAD (focadhesin; plus strand). Cytogenetic location: 9p21.3.
Variant type: single nucleotide variant.
Coding change: c.5112G>C on transcript NM_001375567.1 (MANE Select); coding-DNA position 5112, G replaced by C.
Protein change: p.Gln1704His; replaces glutamine 1704 with histidine.
Molecular consequence: missense variant.
Genome position (GRCh38, 1-based): chr9:20,990,230, G>C. VCF-style: chr9-20990230-G-C. GRCh37 (hg19) VCF-style: chr9-20990229-G-C.
Other names: c.5007G>C, p.Gln1669His (NM_001375568.1, NM_001375570.1); c.5112G>C, p.Gln1704His (NM_017794.5); short protein forms Q1669H, Q1704H.
Identifiers: ClinVar variation 3234516 (VCV003234516.20), dbSNP rs761459704, ClinGen allele CA5008200.

ClinVar aggregate classification (germline): Uncertain significance (1 of 4 stars; one submission).

Allele frequency attached by ClinVar (database versions not stated): ExAC 0.00001; gnomAD 0.00001; TOPMed 0.00001.
gnomAD v4.1: 13 of 1,614,084 alleles (0.00081%); highest among the groups gnomAD compares: African/African-American, 0.0013%; no homozygotes.

Submission:

CeGaT Center for Human Genetics Tuebingen
Classification: Uncertain significance. Last evaluated: 2024-04-01. Review status: criteria provided, single submitter. Criteria: CeGaT Center For Human Genetics Tuebingen Variant Classification Criteria Version 2. Collection method: clinical testing. Allele origin: germline. Affected: yes. Observed: 1 variant allele.
Comment: FOCAD: PM2, BP4